The following is an entry in ClinVar:

NM_002160.4(TNC):c.1150C>T (p.Arg384Cys)

Gene: TNC (tenascin C; minus strand). Cytogenetic location: 9q33.1.
Variant type: single nucleotide variant.
Coding change: c.1150C>T on transcript NM_002160.4 (MANE Select); coding-DNA position 1150, C replaced by T.
Protein change: p.Arg384Cys; replaces arginine 384 with cysteine.
Molecular consequence: missense variant.
Genome position (GRCh38, 1-based): chr9:115,086,581, G>A on the plus strand (C>T on the coding strand, the complement: TNC is on the minus strand). VCF-style: chr9-115086581-G-A. GRCh37 (hg19) VCF-style: chr9-117848860-G-A.
Other names: c.1150C>T (NM_002160.3); c.1150C>T, p.Arg384Cys (NM_001439094.1, NM_001439095.1, NM_001439096.1 and 35 more transcripts); short protein forms R384C.
Identifiers: ClinVar variation 4904317 (VCV004904317.2).

ClinVar aggregate classification (germline): Uncertain significance. Review status: criteria provided, multiple submitters, no conflicts (2 of 4 stars). 2 submissions from 2 submitters: Uncertain significance (2). Last evaluated 2026-04-22.

Conditions:
TNC-related disorder. Also called: TNC-related condition.

gnomAD v4.1: 5 of 1,614,122 alleles (0.00031%); highest among the groups gnomAD compares: East Asian, 0.0045%; no homozygotes.

Submissions (2):

PreventionGenetics, part of Exact Sciences
Classification: Uncertain significance for TNC-related condition. Last evaluated: 2026-04-22. Review status: criteria provided, single submitter. Criteria: ACMG Guidelines, 2015. Collection method: clinical testing. Allele origin: germline.
Comment: The TNC c.1150C>T variant is predicted to result in the amino acid substitution p.Arg384Cys. To our knowledge, this variant has not been reported in the literature. This variant is reported in 0.0054% of alleles in individuals of East Asian descent in gnomAD. At this time, the clinical significance of this variant is uncertain due to the absence of conclusive functional and genetic evidence.

Blueprint Genetics
Classification: Uncertain significance. Last evaluated: 2023-12-04. Review status: criteria provided, single submitter. Criteria: ACMG Guidelines, 2015. Collection method: clinical testing. Allele origin: germline.